The following is an entry in ClinVar:

NM_006892.4(DNMT3B):c.1817T>C (p.Val606Ala)

Gene: DNMT3B (DNA methyltransferase 3 beta; plus strand). Cytogenetic location: 20q11.21.
Variant type: single nucleotide variant.
Coding change: c.1817T>C on transcript NM_006892.4 (MANE Select); coding-DNA position 1817, T replaced by C.
Protein change: p.Val606Ala; replaces valine 606 with alanine.
Molecular consequence: missense variant.
Genome position (GRCh38, 1-based): chr20:32,800,210, T>C. VCF-style: chr20-32800210-T-C. GRCh37 (hg19) VCF-style: chr20-31388016-T-C.
Other names: c.1631T>C, p.Val544Ala (NM_001207055.2); c.1529T>C, p.Val510Ala (NM_001207056.2); c.1757T>C, p.Val586Ala (NM_175848.2, NM_175849.2); c.1793T>C, p.Val598Ala (NM_175850.3); short protein forms V510A, V544A, V598A, V606A, V586A.
Identifiers: ClinVar variation 2138340 (VCV002138340.4), dbSNP rs867732105, ClinGen allele CA313155126.
Genomic context (GRCh38, chr20:32,800,210, plus strand): 5'-CAGGCTACCTAGTCCTCAAAGAGTTGGGCATAAAGGTAGGAAAGTACGTCGCTTCTGAAG[T>C]GTGTGAGGAGTCCATTGCTGTTGGAACCGTGAAGCACGAGGGGAATATCAAATACGTGAA-3'
Protein context (NP_008823.1, residues 596-616): IKVGKYVASE[Val606Ala]CEESIAVGTV

ClinVar aggregate classification (germline): Pathogenic (1 of 4 stars; one submission).

Conditions:
Centromeric instability of chromosomes 1,9 and 16 and immunodeficiency (ICF1). Also called: Immunodeficiency-centromeric instability-facial anomalies; IMMUNE DEFICIENCY, VARIABLE, WITH CENTROMERIC INSTABILITY OF CHROMOSOMES 1, 9, AND 16; IMMUNODEFICIENCY SYNDROME, VARIABLE; CENTROMERIC INSTABILITY, IMMUNODEFICIENCY SYNDROME. Identifiers: Orphanet 2268, MedGen C0398788, MONDO:0000133.

Submission:

Labcorp Genetics (formerly Invitae), Labcorp
Classification: Pathogenic for Centromeric instability of chromosomes 1,9 and 16 and immunodeficiency. Last evaluated: 2022-09-26. Review status: criteria provided, single submitter. Criteria: Invitae Variant Classification Sherloc (09022015). Collection method: clinical testing. Allele origin: germline.
Comment: Advanced modeling of protein sequence and biophysical properties (such as structural, functional, and spatial information, amino acid conservation, physicochemical variation, residue mobility, and thermodynamic stability) performed at Invitae indicates that this missense variant is not expected to disrupt DNMT3B protein function. Experimental studies have shown that this missense change affects DNMT3B function (PMID: 16543361, 21549127). For these reasons, this variant has been classified as Pathogenic. This missense change has been observed in individual(s) with clinical features of immunodeficiency, centromere instability, and facial anomalies (ICF) syndrome (PMID: 11102980). In at least one individual the data is consistent with being in trans (on the opposite chromosome) from a pathogenic variant. This variant is not present in population databases (gnomAD no frequency). This sequence change replaces valine, which is neutral and non-polar, with alanine, which is neutral and non-polar, at codon 606 of the DNMT3B protein (p.Val606Ala).

Literature cited by the submitters: PubMed 16543361; PubMed 21549127; PubMed 11102980.